The following is an entry in ClinVar:

NM_000719.7(CACNA1C):c.299C>T (p.Pro100Leu)

Gene: CACNA1C (calcium voltage-gated channel subunit alpha1 C; plus strand). Cytogenetic location: 12p13.33.
Variant type: single nucleotide variant.
Coding change: c.299C>T on transcript NM_000719.7 (MANE Select); coding-DNA position 299, C replaced by T.
Protein change: p.Pro100Leu; replaces proline 100 with leucine.
Molecular consequence: missense variant.
Genome position (GRCh38, 1-based): chr12:2,115,473, C>T. VCF-style: chr12-2115473-C-T. GRCh37 (hg19) VCF-style: chr12-2224639-C-T.
Other names: c.299C>T, p.Pro100Leu (NM_001167625.2, NM_199460.4, NM_001129827.2 and 19 more transcripts); short protein forms P100L.
Identifiers: ClinVar variation 642312 (VCV000642312.12), dbSNP rs1398341239, ClinGen allele CA383653348.

ClinVar aggregate classification (germline): Uncertain significance. Review status: criteria provided, multiple submitters, no conflicts (2 of 4 stars). 2 submissions from 2 submitters: Uncertain significance (2). Last evaluated 2025-06-13.

Conditions:
Long QT syndrome (LQTS). Identifiers: MedGen C0023976, MeSH D008133, MONDO:0002442. Disease mechanism: loss of function. Inheritance: Various modes of inheritance.
Cardiovascular phenotype. Identifiers: MedGen CN230736.

Allele frequency attached by ClinVar (database versions not stated): gnomAD exomes below 0.00001; gnomAD 0.00001.

Submissions (2):

Ambry Genetics
Classification: Uncertain significance for Cardiovascular phenotype. Last evaluated: 2025-06-13. Review status: criteria provided, single submitter. Criteria: Ambry Variant Classification Scheme 2023. Collection method: clinical testing. Allele origin: germline.
Comment: The p.P100L variant (also known as c.299C>T), located in coding exon 2 of the CACNA1C gene, results from a C to T substitution at nucleotide position 299. The proline at codon 100 is replaced by leucine, an amino acid with similar properties. This amino acid position is highly conserved in available vertebrate species. In addition, the in silico prediction for this alteration is inconclusive. Based on the available evidence, the clinical significance of this variant remains unclear.

Labcorp Genetics (formerly Invitae), Labcorp
Classification: Uncertain significance for Long QT syndrome. Last evaluated: 2021-07-13. Review status: criteria provided, single submitter. Criteria: Invitae Variant Classification Sherloc (09022015). Collection method: clinical testing. Allele origin: germline.
Comment: This variant has not been reported in the literature in individuals with CACNA1C-related conditions. Algorithms developed to predict the effect of missense changes on protein structure and function are either unavailable or do not agree on the potential impact of this missense change (SIFT: "Deleterious"; PolyPhen-2: "Probably Damaging"; Align-GVGD: "Class C0"). In summary, the available evidence is currently insufficient to determine the role of this variant in disease. Therefore, it has been classified as a Variant of Uncertain Significance. This variant is not present in population databases (ExAC no frequency). This sequence change replaces proline with leucine at codon 100 of the CACNA1C protein (p.Pro100Leu). The proline residue is moderately conserved and there is a moderate physicochemical difference between proline and leucine.